The following is an entry in ClinVar:

NM_020376.4(PNPLA2):c.873C>A (p.Pro291=)

Gene: PNPLA2 (patatin like domain 2, triacylglycerol lipase; plus strand). Cytogenetic location: 11p15.5.
Variant type: single nucleotide variant.
Coding change: c.873C>A on transcript NM_020376.4 (MANE Select); coding-DNA position 873, C replaced by A.
Protein change: p.Pro291=; no amino-acid change (proline 291 retained).
Molecular consequence: synonymous variant.
Genome position (GRCh38, 1-based): chr11:823,809, C>A. VCF-style: chr11-823809-C-A. GRCh37 (hg19) VCF-style: chr11-823809-C-A.
Identifiers: ClinVar variation 465801 (VCV000465801.15), dbSNP rs1135628, ClinGen allele CA5791208.

ClinVar aggregate classification (germline): Likely benign. Review status: criteria provided, multiple submitters, no conflicts (2 of 4 stars). 3 submissions from 3 submitters: Likely benign (3). Last evaluated 2026-04-01.

Conditions:
Neutral lipid storage myopathy (NLSDM). Also called: NEUTRAL LIPID STORAGE DISEASE WITHOUT ICHTHYOSIS. Identifiers: Orphanet 98908, MedGen C1853136, MONDO:0012545, OMIM 610717.

Allele frequency attached by ClinVar (database versions not stated): 1000 Genomes Project 30x 0.00016.

Submissions (3):

CeGaT Center for Human Genetics Tuebingen
Classification: Likely benign. Last evaluated: 2026-04-01. Review status: criteria provided, single submitter. Criteria: CeGaT Center For Human Genetics Tuebingen Variant Classification Criteria Version 2. Collection method: clinical testing. Allele origin: germline. Affected: yes. Observed: 1 variant allele.
Comment: PNPLA2: BP4, BP7

Labcorp Genetics (formerly Invitae), Labcorp
Classification: Likely benign for Neutral lipid storage myopathy. Last evaluated: 2025-09-02. Review status: criteria provided, single submitter. Criteria: Invitae Variant Classification Sherloc (09022015). Collection method: clinical testing. Allele origin: germline.

Blueprint Genetics
Classification: Likely benign. Last evaluated: 2024-07-25. Review status: criteria provided, single submitter. Criteria: ACMG Guidelines, 2015. Collection method: clinical testing. Allele origin: germline.